The following is an entry in ClinVar:

ClinVar aggregate classification (germline): Uncertain significance. Review status: criteria provided, multiple submitters, no conflicts (2 of 4 stars). 3 submissions from 3 submitters: Uncertain significance (3). Last evaluated 2025-05-18.

Conditions:
Inborn genetic diseases. Identifiers: MedGen C0950123, MeSH D030342.
PCCB-related disorder. Also called: PCCB-related condition.
Propionic acidemia (PROP). Also called: GLYCINEMIA, KETOTIC; HYPERGLYCINEMIA WITH KETOACIDOSIS AND LEUKOPENIA; KETOTIC HYPERGLYCINEMIA. Identifiers: Orphanet 35, MedGen C0268579, MONDO:0011628, OMIM 606054, HP:0003571.

Allele frequency attached by ClinVar (database versions not stated): ExAC 0.00001; gnomAD exomes 0.00003; TOPMed 0.00005; gnomAD 0.00006; ESP Exome Variant Server 0.00008.
gnomAD v4.1: 73 of 1,607,430 alleles (0.0045%); highest among the groups gnomAD compares: Middle Eastern, 0.034%; no homozygotes.

Submissions (3):

PreventionGenetics, part of Exact Sciences
Classification: Uncertain significance for PCCB-related condition. Last evaluated: 2025-05-18. Review status: criteria provided, single submitter. Criteria: ACMG Guidelines, 2015. Collection method: clinical testing. Allele origin: germline.
Comment: The PCCB c.641C>T variant is predicted to result in the amino acid substitution p.Thr214Met. To our knowledge, this variant has not been reported in the literature. This variant is reported in 0.0080% of alleles in individuals of African descent in gnomAD. At this time, the clinical significance of this variant is uncertain due to the absence of conclusive functional and genetic evidence.

Ambry Genetics
Classification: Uncertain significance for Inborn genetic diseases. Last evaluated: 2023-10-16. Review status: criteria provided, single submitter. Criteria: Ambry Variant Classification Scheme 2023. Collection method: clinical testing. Allele origin: germline.

Labcorp Genetics (formerly Invitae), Labcorp
Classification: Uncertain significance for Propionic acidemia. Last evaluated: 2022-08-08. Review status: criteria provided, single submitter. Criteria: Invitae Variant Classification Sherloc (09022015). Collection method: clinical testing. Allele origin: germline.
Comment: This sequence change replaces threonine, which is neutral and polar, with methionine, which is neutral and non-polar, at codon 214 of the PCCB protein (p.Thr214Met). This variant is present in population databases (rs375740942, gnomAD 0.008%). This variant has not been reported in the literature in individuals affected with PCCB-related conditions. ClinVar contains an entry for this variant (Variation ID: 1367122). Algorithms developed to predict the effect of missense changes on protein structure and function (SIFT, PolyPhen-2, Align-GVGD) all suggest that this variant is likely to be disruptive. In summary, the available evidence is currently insufficient to determine the role of this variant in disease. Therefore, it has been classified as a Variant of Uncertain Significance.

NM_000532.5(PCCB):c.641C>T (p.Thr214Met)

Gene: PCCB (propionyl-CoA carboxylase subunit beta; plus strand). Cytogenetic location: 3q22.3.
Variant type: single nucleotide variant.
Coding change: c.641C>T on transcript NM_000532.5 (MANE Select); coding-DNA position 641, C replaced by T.
Protein change: p.Thr214Met; replaces threonine 214 with methionine.
Molecular consequence: missense variant.
Genome position (GRCh38, 1-based): chr3:136,283,934, C>T. VCF-style: chr3-136283934-C-T. GRCh37 (hg19) VCF-style: chr3-136002776-C-T.
Other names: c.701C>T, p.Thr234Met (NM_001178014.2); c.641C>T (NM_000532.4); short protein forms T214M, T234M.
Identifiers: ClinVar variation 1367122 (VCV001367122.5), dbSNP rs375740942, ClinGen allele CA2631801.